The following is an entry in ClinVar:

NM_001197104.2(KMT2A):c.8096G>A (p.Arg2699Gln)

Gene: KMT2A (lysine methyltransferase 2A; plus strand). Cytogenetic location: 11q23.3.
Variant type: single nucleotide variant.
Coding change: c.8096G>A on transcript NM_001197104.2 (MANE Select); coding-DNA position 8096, G replaced by A.
Protein change: p.Arg2699Gln; replaces arginine 2699 with glutamine.
Molecular consequence: missense variant.
Genome position (GRCh38, 1-based): chr11:118,503,988, G>A. VCF-style: chr11-118503988-G-A. GRCh37 (hg19) VCF-style: chr11-118374703-G-A.
Other names: c.8186G>A, p.Arg2729Gln (NM_001412597.1); c.8087G>A, p.Arg2696Gln (NM_005933.4); short protein forms R2696Q, R2699Q, R2729Q.
Identifiers: ClinVar variation 2195035 (VCV002195035.29), dbSNP rs956313303, ClinGen allele CA229527253.

ClinVar aggregate classification (germline): Conflicting classifications of pathogenicity. Review status: criteria provided, conflicting classifications (1 of 4 stars). 3 submissions from 3 submitters: Uncertain significance (2); Likely benign (1). Last evaluated 2024-10-14.

Conditions:
Inborn genetic diseases. Identifiers: MedGen C0950123, MeSH D030342.

Allele frequency attached by ClinVar (database versions not stated): TOPMed below 0.00001; gnomAD exomes 0.00002.
gnomAD v4.1: 29 of 1,614,150 alleles (0.0018%); highest among the groups gnomAD compares: Non-Finnish European, 0.0025%; no homozygotes.

Submissions (3):

Labcorp Genetics (formerly Invitae), Labcorp
Classification: Uncertain significance. Last evaluated: 2024-10-14. Review status: criteria provided, single submitter. Criteria: Invitae Variant Classification Sherloc (09022015). Collection method: clinical testing. Allele origin: germline.
Comment: This sequence change replaces arginine, which is basic and polar, with glutamine, which is neutral and polar, at codon 2699 of the KMT2A protein (p.Arg2699Gln). This variant is present in population databases (no rsID available, gnomAD 0.002%). This variant has not been reported in the literature in individuals affected with KMT2A-related conditions. ClinVar contains an entry for this variant (Variation ID: 2195035). Invitae Evidence Modeling of protein sequence and biophysical properties (such as structural, functional, and spatial information, amino acid conservation, physicochemical variation, residue mobility, and thermodynamic stability) indicates that this missense variant is not expected to disrupt KMT2A protein function with a negative predictive value of 95%. In summary, the available evidence is currently insufficient to determine the role of this variant in disease. Therefore, it has been classified as a Variant of Uncertain Significance.

CeGaT Center for Human Genetics Tuebingen
Classification: Likely benign. Last evaluated: 2023-09-01. Review status: criteria provided, single submitter. Criteria: CeGaT Center For Human Genetics Tuebingen Variant Classification Criteria Version 2. Collection method: clinical testing. Allele origin: germline. Affected: yes. Observed: 1 variant allele.
Comment: KMT2A: BP4

Ambry Genetics
Classification: Uncertain significance for Inborn genetic diseases. Last evaluated: 2021-01-28. Review status: criteria provided, single submitter. Criteria: Ambry Variant Classification Scheme 2023. Collection method: clinical testing. Allele origin: germline.